The following is an entry in ClinVar:

ClinVar aggregate classification (germline): Conflicting classifications of pathogenicity. Review status: criteria provided, conflicting classifications (1 of 4 stars). 4 submissions from 4 submitters: Uncertain significance (1); Likely benign (2). 1 of the submissions does not count toward it. Last evaluated 2026-01-30.

Conditions:
DTNBP1-related disorder. Also called: DTNBP1-related condition.

Allele frequency attached by ClinVar (database versions not stated): gnomAD exomes 0.00009 and 0.00011; ExAC 0.00012; ESP Exome Variant Server 0.00023; gnomAD 0.00025; TOPMed 0.00029; 1000 Genomes Project 0.00040; 1000 Genomes Project 30x 0.00047.
gnomAD v4.1: 181 of 1,612,174 alleles (0.011%); highest among the groups gnomAD compares: African/African-American, 0.073%; no homozygotes.

Submissions (4):

Labcorp Genetics (formerly Invitae), Labcorp
Classification: Likely benign. Last evaluated: 2026-01-30. Review status: criteria provided, single submitter. Criteria: Invitae Variant Classification Sherloc (09022015). Collection method: clinical testing. Allele origin: germline.

Women's Health and Genetics/Laboratory Corporation of America, LabCorp
Classification: Uncertain significance. Last evaluated: 2024-10-30. Review status: criteria provided, single submitter. Criteria: LabCorp Variant Classification Summary - May 2015. Collection method: clinical testing. Allele origin: germline.
Comment: Variant summary: DTNBP1 c.668-5C>T alters a nucleotide located close to a canonical splice site and therefore could affect mRNA splicing, leading to a significantly altered protein sequence. Several computational tools predict a significant impact on normal splicing: Two predict the variant weakens a 3' acceptor site. However, these predictions have yet to be confirmed by functional studies. The variant allele was found at a frequency of 0.00011 in 247326 control chromosomes. This frequency is not significantly higher than estimated for a pathogenic variant in DTNBP1 causing Hermansky-Pudlak Syndrome (0.00011 vs 0.00016), allowing no conclusion about variant significance. To our knowledge, no occurrence of c.668-5C>T in individuals affected with Hermansky-Pudlak Syndrome and no experimental evidence demonstrating its impact on protein function have been reported. ClinVar contains an entry for this variant (Variation ID: 740548). Based on the evidence outlined above, the variant was classified as uncertain significance.

Blueprint Genetics
Classification: Likely benign. Last evaluated: 2024-10-28. Review status: criteria provided, single submitter. Criteria: ACMG Guidelines, 2015. Collection method: clinical testing. Allele origin: germline.

PreventionGenetics, part of Exact Sciences
Classification: Likely benign for DTNBP1-related condition. Last evaluated: 2024-07-26. Review status: no assertion criteria provided. Collection method: clinical testing. Allele origin: germline. Not counted in ClinVar's aggregate classification.
Comment: This variant is classified as likely benign based on ACMG/AMP sequence variant interpretation guidelines (Richards et al. 2015 PMID: 25741868, with internal and published modifications).

NM_032122.5(DTNBP1):c.668-5C>T

Gene: DTNBP1 (dystrobrevin binding protein 1; minus strand). Cytogenetic location: 6p22.3.
Variant type: single nucleotide variant.
Coding change: c.668-5C>T on transcript NM_032122.5 (MANE Select); 5 bases into the intron before coding-DNA position 668, C replaced by T.
Molecular consequence: intron variant.
Genome position (GRCh38, 1-based): chr6:15,524,674, G>A on the plus strand (C>T on the coding strand, the complement: DTNBP1 is on the minus strand). VCF-style: chr6-15524674-G-A. GRCh37 (hg19) VCF-style: chr6-15524905-G-A.
Other names: c.563-5C>T (NM_001271669.2); c.617-5C>T (NM_001271668.2); c.425-5C>T (NM_001271667.2); c.668-5C>T (NM_183040.2).
Identifiers: ClinVar variation 740548 (VCV000740548.12), dbSNP rs202198942, ClinGen allele CA3643918.